The following is an entry in ClinVar:

ClinVar aggregate classification (germline): Uncertain significance (1 of 4 stars; one submission).

Submission:

Labcorp Genetics (formerly Invitae), Labcorp
Classification: Uncertain significance. Last evaluated: 2025-12-08. Review status: criteria provided, single submitter. Criteria: Invitae Variant Classification Sherloc (09022015). Collection method: clinical testing. Allele origin: germline.
Comment: This sequence change replaces alanine, which is neutral and non-polar, with serine, which is neutral and polar, at codon 8 of the PDE4D protein (p.Ala8Ser). This variant is not present in population databases (gnomAD no frequency). This variant has not been reported in the literature in individuals affected with PDE4D-related conditions. Experimental studies and prediction algorithms are not available or were not evaluated, and the functional significance of this variant is currently unknown. In summary, the available evidence is currently insufficient to determine the role of this variant in disease. Therefore, it has been classified as a Variant of Uncertain Significance.

NM_001104631.2(PDE4D):c.22G>T (p.Ala8Ser)

Gene: PDE4D (phosphodiesterase 4D; minus strand). Cytogenetic location: 5q12.1.
Variant type: single nucleotide variant.
Coding change: c.22G>T on transcript NM_001104631.2 (MANE Select); coding-DNA position 22, G replaced by T.
Protein change: p.Ala8Ser; replaces alanine 8 with serine.
Molecular consequence: missense variant. On other transcripts: intron variant (5).
Genome position (GRCh38, 1-based): chr5:59,893,601, C>A on the plus strand (G>T on the coding strand, the complement: PDE4D is on the minus strand). VCF-style: chr5-59893601-C-A. GRCh37 (hg19) VCF-style: chr5-59189428-C-A.
Other names: c.272+94887G>T (NM_001364599.1, NM_001165899.2, NM_001364600.2); c.-240+94887G>T (NM_001349243.2); c.242+94887G>T (NM_001349241.2); short protein forms A8S.
Identifiers: ClinVar variation 4732413 (VCV004732413.1).